The following is an entry in ClinVar:

NM_003126.4(SPTA1):c.*387T>C

Genes: SPTA1 (spectrin alpha, erythrocytic 1; minus strand), OR10Z1 (olfactory receptor family 10 subfamily Z member 1; plus strand). Cytogenetic location: 1q23.1.
Variant type: single nucleotide variant.
Coding change: c.*387T>C on transcript NM_003126.4 (MANE Select); 387 bases downstream of the stop codon, T replaced by C.
Molecular consequence: 3 prime UTR variant.
Genome position (GRCh38, 1-based): chr1:158,610,877, A>G on the plus strand (T>C on the coding strand, the complement: SPTA1 is on the minus strand). VCF-style: chr1-158610877-A-G. GRCh37 (hg19) VCF-style: chr1-158580667-A-G.
Identifiers: ClinVar variation 873913 (VCV000873913.4), dbSNP rs549664412, ClinGen allele CA31249111.

ClinVar aggregate classification (germline): Conflicting classifications of pathogenicity. Review status: criteria provided, conflicting classifications (1 of 4 stars). 3 submissions from 1 submitter: Uncertain significance (2); Likely benign (1). Last evaluated 2018-01-12.

Conditions:
Hereditary spherocytosis type 3. Also called: Spherocytosis type 3; SPTA1-Related Spherocytosis. Identifiers: Orphanet 822, MedGen C2678338, MONDO:0010053, OMIM 270970.
Elliptocytosis 2 (EL2). Also called: ELLIPTOCYTOSIS, RHESUS-UNLINKED TYPE. Identifiers: Orphanet 288, MedGen C1851741, MONDO:0007533, OMIM 130600.
Pyropoikilocytosis, hereditary. Also called: Pyropoikilocytosis. Identifiers: MedGen C0520739, MONDO:0009948, OMIM 266140, HP:0004839. Disease mechanism: loss of function.

Allele frequency attached by ClinVar (database versions not stated): gnomAD exomes 0.00010; TOPMed 0.00123; gnomAD 0.00131 and 0.00146; 1000 Genomes Project 30x 0.00156; 1000 Genomes Project 0.00200.
gnomAD v4.1: 204 of 202,872 alleles (0.1%); highest among the groups gnomAD compares: African/African-American, 0.46%; no homozygotes.

Submissions (3):

Illumina Laboratory Services, Illumina
Classification: Uncertain significance for Hereditary spherocytosis type 3. Last evaluated: 2018-01-12. Review status: criteria provided, single submitter. Criteria: ICSL Variant Classification Criteria 13 December 2019. Collection method: clinical testing. Allele origin: germline.

Illumina Laboratory Services, Illumina
Classification: Uncertain significance for Pyropoikilocytosis, hereditary. Last evaluated: 2018-01-12. Review status: criteria provided, single submitter. Criteria: ICSL Variant Classification Criteria 13 December 2019. Collection method: clinical testing. Allele origin: germline.

Illumina Laboratory Services, Illumina
Classification: Likely benign for Elliptocytosis 2. Last evaluated: 2018-01-12. Review status: criteria provided, single submitter. Criteria: ICSL Variant Classification Criteria 13 December 2019. Collection method: clinical testing. Allele origin: germline.
Comment: This variant was observed in the ICSL laboratory as part of a predisposition screen in an ostensibly healthy population. It had not been previously curated by ICSL or reported in the Human Gene Mutation Database (HGMD: prior to June 1st, 2018), and was therefore a candidate for classification through an automated scoring system. Utilizing variant allele frequency, disease prevalence and penetrance estimates, and inheritance mode, an automated score was calculated to assess if this variant is too frequent to cause the disease. Based on the score and internal cut-off values, a variant classified as likely benign is not then subjected to further curation. The score for this variant resulted in a classification of likely benign for this disease.